The following is an entry in ClinVar:

NM_024675.4(PALB2):c.3151A>G (p.Ile1051Val)

Gene: PALB2 (partner and localizer of BRCA2; minus strand). Cytogenetic location: 16p12.2.
Variant type: single nucleotide variant.
Coding change: c.3151A>G on transcript NM_024675.4 (MANE Select); coding-DNA position 3151, A replaced by G.
Protein change: p.Ile1051Val; replaces isoleucine 1051 with valine.
Molecular consequence: missense variant.
Genome position (GRCh38, 1-based): chr16:23,614,054, T>C on the plus strand (A>G on the coding strand, the complement: PALB2 is on the minus strand). VCF-style: chr16-23614054-T-C. GRCh37 (hg19) VCF-style: chr16-23625375-T-C.
Other names: short protein forms I1051V.
Identifiers: ClinVar variation 410125 (VCV000410125.12), dbSNP rs1060502745, ClinGen allele CA16614848.
Genomic context (GRCh38, chr16:23,614,054, plus strand): 5'-CATTACTTACCATTTCAGAATAGGCTTTGTGACAGACTGAAGCTTGGTAAGAATCATCAA[T>C]GTGCATCTTTTTCAGGAGTTGACCAGTTTTTAAATTCCTTAGATAACAAAAATAAATAAG-3'
Protein context (NP_078951.2, residues 1041-1061): KTGQLLKKMH[Ile1051Val]DDSYQASVCH

ClinVar aggregate classification (germline): Uncertain significance (1 of 4 stars; one submission).

Conditions:
Familial cancer of breast. Also called: BREAST CANCER, FAMILIAL; Hereditary breast cancer; hereditary breast carcinoma. Identifiers: Orphanet 227535, MedGen C0346153, MONDO:0016419, OMIM 114480. Disease mechanism: loss of function.

Allele frequency attached by ClinVar (database versions not stated): gnomAD exomes below 0.00001.
gnomAD v4.1: 1 of 1,613,622 alleles (0.000062%); highest among the groups gnomAD compares: Non-Finnish European, 0.000085%; no homozygotes.

Submission:

Labcorp Genetics (formerly Invitae), Labcorp
Classification: Uncertain significance for Familial cancer of breast. Last evaluated: 2025-11-03. Review status: criteria provided, single submitter. Criteria: Invitae Variant Classification Sherloc (09022015). Collection method: clinical testing. Allele origin: germline.
Comment: This sequence change replaces isoleucine, which is neutral and non-polar, with valine, which is neutral and non-polar, at codon 1051 of the PALB2 protein (p.Ile1051Val). This variant is not present in population databases (gnomAD no frequency). This variant has not been reported in the literature in individuals affected with PALB2-related conditions. ClinVar contains an entry for this variant (Variation ID: 410125). Invitae Evidence Modeling of protein sequence and biophysical properties (such as structural, functional, and spatial information, amino acid conservation, physicochemical variation, residue mobility, and thermodynamic stability) indicates that this missense variant is not expected to disrupt PALB2 protein function with a negative predictive value of 80%. In summary, the available evidence is currently insufficient to determine the role of this variant in disease. Therefore, it has been classified as a Variant of Uncertain Significance.